The following is an entry in ClinVar:

ClinVar aggregate classification (germline): Uncertain significance (1 of 4 stars; one submission).

Conditions:
Schwartz-Jampel syndrome type 1 (SJS1). Also called: MYOTONIC MYOPATHY, DWARFISM, CHONDRODYSTROPHY, AND OCULAR AND FACIAL ABNORMALITIES; CHONDRODYSTROPHIC MYOTONIA. Identifiers: MedGen C4551479, MONDO:0100435, OMIM 255800.
Lethal Kniest-like syndrome (DDSH). Also called: Dyssegmental Dysplasia. Identifiers: Orphanet 1865, MedGen C1857100, MONDO:0009140, OMIM 224410.

gnomAD v4.1: 41 of 1,612,460 alleles (0.0025%); highest among the groups gnomAD compares: East Asian, 0.089%; no homozygotes.

Submission:

Juno Genomics, Hangzhou Juno Genomics, Inc
Classification: Uncertain significance for Schwartz-Jampel syndrome type 1; Lethal Kniest-like syndrome. Review status: criteria provided, single submitter. Criteria: ACMG Guidelines, 2015. Collection method: clinical testing. Allele origin: germline.
Comment: Absent from controls (or at extremely low frequency if recessive) in Genome Aggregation Database.;Missense variant in a gene that has a low rate of benign missense variation.;Multiple lines of computational evidence support a deleterious effect on the gene or gene product.

NM_005529.7(HSPG2):c.3476G>A (p.Cys1159Tyr)

Gene: HSPG2 (heparan sulfate proteoglycan 2; minus strand). Cytogenetic location: 1p36.12.
Variant type: single nucleotide variant.
Coding change: c.3476G>A on transcript NM_005529.7 (MANE Select); coding-DNA position 3476, G replaced by A.
Protein change: p.Cys1159Tyr; replaces cysteine 1159 with tyrosine.
Molecular consequence: missense variant.
Genome position (GRCh38, 1-based): chr1:21,874,668, C>T on the plus strand (G>A on the coding strand, the complement: HSPG2 is on the minus strand). VCF-style: chr1-21874668-C-T. GRCh37 (hg19) VCF-style: chr1-22201161-C-T.
Other names: c.3479G>A, p.Cys1160Tyr (NM_001291860.2); short protein forms C1159Y, C1160Y.
Identifiers: ClinVar variation 5018946 (VCV005018946.2).